The following is an entry in ClinVar:

ClinVar aggregate classification (germline): Uncertain significance (1 of 4 stars; one submission).

Conditions:
Hypertrophic cardiomyopathy. Also called: HYPERTROPHIC MYOCARDIOPATHY. Identifiers: Orphanet 217569, MedGen C0007194, MeSH D002312, MONDO:0005045, HP:0001639.

gnomAD v4.1: 1 of 1,534,792 alleles (0.000065%); highest among the groups gnomAD compares: Non-Finnish European, 0.000088%; no homozygotes.

Submission:

All of Us Research Program, National Institutes of Health
Classification: Uncertain significance for Hypertrophic cardiomyopathy. Last evaluated: 2024-09-23. Review status: criteria provided, single submitter. Criteria: ACMG Guidelines, 2015. Collection method: clinical testing. Allele origin: germline. Inheritance: Autosomal dominant inheritance. Observed: 1 variant allele, 1 heterozygote.
Comment: This study involves interpretation of variants in research participants for the purpose of population health screening. Participant phenotype was not available at the time of variant classification. Additional details can be found in publication PMID: 35346344, PMCID: PMC8962531

NM_000256.3(MYBPC3):c.2719G>A (p.Glu907Lys)

Gene: MYBPC3 (myosin binding protein C3; minus strand). Cytogenetic location: 11p11.2.
Variant type: single nucleotide variant.
Coding change: c.2719G>A on transcript NM_000256.3 (MANE Select); coding-DNA position 2719, G replaced by A.
Protein change: p.Glu907Lys; replaces glutamic acid 907 with lysine.
Molecular consequence: missense variant.
Genome position (GRCh38, 1-based): chr11:47,335,895, C>T on the plus strand (G>A on the coding strand, the complement: MYBPC3 is on the minus strand). VCF-style: chr11-47335895-C-T. GRCh37 (hg19) VCF-style: chr11-47357446-C-T.
Other names: short protein forms E907K.
Identifiers: ClinVar variation 3387105 (VCV003387105.1).